The following is an entry in ClinVar:

NM_005321.3(H1-4):c.548_554delinsGGCG (p.Lys183_Pro185delinsArgArg)

Gene: H1-4 (H1.4 linker histone, cluster member; plus strand). Cytogenetic location: 6p22.2.
Variant type: Indel.
Coding change: c.548_554delinsGGCG on transcript NM_005321.3 (MANE Select); coding-DNA positions 548 to 554, AGGCGCC replaced by GGCG.
Protein change: p.Lys183_Pro185delinsArgArg.
Molecular consequence: inframe indel.
Genome position (GRCh38, 1-based): chr6:26,156,938-26,156,944, AGGCGCC replaced by GGCG. VCF-style: chr6-26156938-AGGCGCC-GGCG. GRCh37 (hg19) VCF-style: chr6-26157166-AGGCGCC-GGCG.
Identifiers: ClinVar variation 3390289 (VCV003390289.14).
Genomic context (GRCh38, chr6:26,156,938, plus strand): 5'-CAGCTGCTGGAGCCAAAAAAGCGAAAAGCCCGAAAAAGGCGAAAGCAGCCAAGCCAAAAA[AGGCGCC>GGCG]CAAGAGCCCAGCGAAGGCCAAAGCAGTTAAACCCAAGGCGGCTAAACCAAAGACCGCCAA-3'

ClinVar aggregate classification (germline): Uncertain significance (1 of 4 stars; one submission).

Submission:

CeGaT Center for Human Genetics Tuebingen
Classification: Uncertain significance. Last evaluated: 2024-10-01. Review status: criteria provided, single submitter. Criteria: CeGaT Center For Human Genetics Tuebingen Variant Classification Criteria Version 2. Collection method: clinical testing. Allele origin: germline. Affected: yes. Observed: 1 variant allele.
Comment: H1-4: PM2, PM4:Supporting